The following is an entry in ClinVar:

ClinVar aggregate classification (germline): Uncertain significance. Review status: criteria provided, multiple submitters, no conflicts (2 of 4 stars). 2 submissions from 2 submitters: Uncertain significance (2). Last evaluated 2024-12-01.

Allele frequency attached by ClinVar (database versions not stated): TOPMed below 0.00001.
gnomAD v4.1: 2 of 1,606,976 alleles (0.00012%); highest among the groups gnomAD compares: Non-Finnish European, 0.00017%; no homozygotes.

Submissions (2):

Ambry Genetics
Classification: Uncertain significance. Last evaluated: 2024-12-01. Review status: criteria provided, single submitter. Criteria: Ambry Variant Classification Scheme 2023. Collection method: clinical testing. Allele origin: germline.
Comment: The p.F242L variant (also known as c.726T>G), located in coding exon 5 of the ATRIP gene, results from a T to G substitution at nucleotide position 726. The phenylalanine at codon 242 is replaced by leucine, an amino acid with highly similar properties. This amino acid position is conserved. In addition, this alteration is predicted to be tolerated by in silico analysis. Based on the available evidence, the clinical significance of this variant remains unclear.

Labcorp Genetics (formerly Invitae), Labcorp
Classification: Uncertain significance. Last evaluated: 2023-06-15. Review status: criteria provided, single submitter. Criteria: Invitae Variant Classification Sherloc (09022015). Collection method: clinical testing. Allele origin: germline.
Comment: This sequence change replaces phenylalanine, which is neutral and non-polar, with leucine, which is neutral and non-polar, at codon 242 of the ATRIP protein (p.Phe242Leu). This variant is not present in population databases (gnomAD no frequency). This variant has not been reported in the literature in individuals affected with ATRIP-related conditions. Algorithms developed to predict the effect of missense changes on protein structure and function output the following: SIFT: "Not Available"; PolyPhen-2: "Benign"; Align-GVGD: "Not Available". The leucine amino acid residue is found in multiple mammalian species, which suggests that this missense change does not adversely affect protein function. In summary, the available evidence is currently insufficient to determine the role of this variant in disease. Therefore, it has been classified as a Variant of Uncertain Significance.

NM_130384.3(ATRIP):c.726T>G (p.Phe242Leu)

Genes: ATRIP (ATR interacting protein; plus strand), ATRIP-TREX1 (ATRIP-TREX1 readthrough; plus strand). Cytogenetic location: 3p21.31.
Variant type: single nucleotide variant.
Coding change: c.726T>G on transcript NM_130384.3 (MANE Select); coding-DNA position 726, T replaced by G.
Protein change: p.Phe242Leu; replaces phenylalanine 242 with leucine.
Molecular consequence: missense variant. On other transcripts: non-coding transcript variant (1).
Genome position (GRCh38, 1-based): chr3:48,457,313, T>G. VCF-style: chr3-48457313-T-G. GRCh37 (hg19) VCF-style: chr3-48498713-T-G.
Other names: c.726T>G (NM_130384.1); c.345T>G, p.Phe115Leu (NM_001271022.2); c.447T>G, p.Phe149Leu (NM_001271023.2); c.726T>G, p.Phe242Leu (NM_032166.4); short protein forms F149L, F115L, F242L.
Identifiers: ClinVar variation 2998747 (VCV002998747.4), dbSNP rs2039977936, ClinGen allele CA352715641.